The following is an entry in ClinVar:

ClinVar aggregate classification (germline): Uncertain significance (1 of 4 stars; one submission).

Conditions:
Hereditary cancer-predisposing syndrome. Also called: Tumor predisposition; Hereditary neoplastic syndrome; Neoplastic Syndromes, Hereditary; Hereditary Cancer Syndrome. Identifiers: Orphanet 140162, MedGen C0027672, MeSH D009386, MONDO:0015356.

gnomAD v4.1: 2 of 1,604,730 alleles (0.00012%); highest among the groups gnomAD compares: African/African-American, 0.0027%; no homozygotes.

Submission:

Ambry Genetics
Classification: Uncertain significance for Hereditary cancer-predisposing syndrome. Last evaluated: 2025-04-03. Review status: criteria provided, single submitter. Criteria: Ambry Variant Classification Scheme 2023. Collection method: clinical testing. Allele origin: germline.
Comment: The p.L166H variant (also known as c.497T>A), located in coding exon 5 of the EPCAM gene, results from a T to A substitution at nucleotide position 497. The leucine at codon 166 is replaced by histidine, an amino acid with similar properties. This amino acid position is conserved. In addition, the in silico prediction for this alteration is inconclusive. Based on the available evidence, the clinical significance of this variant remains unclear.

NM_002354.3(EPCAM):c.497T>A (p.Leu166His)

Gene: EPCAM (epithelial cell adhesion molecule; plus strand). Cytogenetic location: 2p21.
Variant type: single nucleotide variant.
Coding change: c.497T>A on transcript NM_002354.3 (MANE Select); coding-DNA position 497, T replaced by A.
Protein change: p.Leu166His; replaces leucine 166 with histidine.
Molecular consequence: missense variant.
Genome position (GRCh38, 1-based): chr2:47,377,019, T>A. VCF-style: chr2-47377019-T-A. GRCh37 (hg19) VCF-style: chr2-47604158-T-A.
Other names: short protein forms L166H.
Identifiers: ClinVar variation 4018565 (VCV004018565.1).